The following is an entry in ClinVar:

ClinVar aggregate classification (germline): Uncertain significance. Review status: criteria provided, multiple submitters, no conflicts (2 of 4 stars). 2 submissions from 2 submitters: Uncertain significance (2). Last evaluated 2024-10-08.

Conditions:
Inborn genetic diseases. Identifiers: MedGen C0950123, MeSH D030342.
MHC class I deficiency. Identifiers: Orphanet 34592, MedGen C6024714, MONDO:0011476.

Allele frequency attached by ClinVar (database versions not stated): TOPMed below 0.00001; gnomAD 0.00001; gnomAD exomes 0.00001.
gnomAD v4.1: 9 of 1,613,134 alleles (0.00056%); highest among the groups gnomAD compares: Admixed American, 0.0017%; no homozygotes.

Submissions (2):

Ambry Genetics
Classification: Uncertain significance for Inborn genetic diseases. Last evaluated: 2024-10-08. Review status: criteria provided, single submitter. Criteria: Ambry Variant Classification Scheme 2023. Collection method: clinical testing. Allele origin: germline.

Labcorp Genetics (formerly Invitae), Labcorp
Classification: Uncertain significance for MHC class I deficiency 1. Last evaluated: 2022-06-13. Review status: criteria provided, single submitter. Criteria: Invitae Variant Classification Sherloc (09022015). Collection method: clinical testing. Allele origin: germline.
Comment: This variant is present in population databases (no rsID available, gnomAD 0.007%). In summary, the available evidence is currently insufficient to determine the role of this variant in disease. Therefore, it has been classified as a Variant of Uncertain Significance. Algorithms developed to predict the effect of missense changes on protein structure and function output the following: SIFT: "Tolerated"; PolyPhen-2: "Not Available"; Align-GVGD: "Class C0". The glutamine amino acid residue is found in multiple mammalian species, which suggests that this missense change does not adversely affect protein function. This variant has not been reported in the literature in individuals affected with TAP2-related conditions. This sequence change replaces arginine, which is basic and polar, with glutamine, which is neutral and polar, at codon 626 of the TAP2 protein (p.Arg626Gln).

NM_001290043.2(TAP2):c.1877G>A (p.Arg626Gln)

Gene: TAP2 (transporter 2, ATP binding cassette subfamily B member; minus strand). Cytogenetic location: 6p21.32.
Variant type: single nucleotide variant.
Coding change: c.1877G>A on transcript NM_001290043.2 (MANE Select); coding-DNA position 1877, G replaced by A.
Protein change: p.Arg626Gln; replaces arginine 626 with glutamine.
Molecular consequence: missense variant.
Genome position (GRCh38, 1-based): chr6:32,829,455, C>T on the plus strand (G>A on the coding strand, the complement: TAP2 is on the minus strand). VCF-style: chr6-32829455-C-T. GRCh37 (hg19) VCF-style: chr6-32797232-C-T.
Other names: c.1877G>A, p.Arg626Gln (NM_000544.3, NM_018833.3); short protein forms R626Q.
Identifiers: ClinVar variation 2035013 (VCV002035013.5), dbSNP rs1247287824, ClinGen allele CA363579036.
Genomic context (GRCh38, chr6:32,829,455, plus strand): 5'-CTCACGGCCTGCTCGCACTGCACATCTAGGGCACTAGTAGCCTCATCCAGGATGAGGACC[C>T]GCGGGTCTCGTACAAGGGCCCGGGCAATGGCCAGACGTTGTTTCTGTCCCGCAGCCAGCT-3'
Protein context (NP_001276972.1, residues 616-636): AIARALVRDP[Arg626Gln]VLILDEATSA